The following is an entry in ClinVar:

ClinVar aggregate classification (germline): Uncertain significance (1 of 4 stars; one submission).

Conditions:
Growth hormone insensitivity with immune dysregulation 1, autosomal recessive. Also called: GROWTH HORMONE INSENSITIVITY DUE TO POSTRECEPTOR DEFECT; GROWTH HORMONE INSENSITIVITY SYNDROME WITH IMMUNE DYSREGULATION 1, AUTOSOMAL RECESSIVE; Laron syndrome with immunodeficiency; LARON SYNDROME DUE TO POSTRECEPTOR DEFECT. Identifiers: Orphanet 220465, MedGen C5435698, MONDO:0100211, OMIM 245590.

gnomAD v4.1: 3 of 1,613,668 alleles (0.00019%); highest among the groups gnomAD compares: African/African-American, 0.0027%; no homozygotes.

Submission:

Labcorp Genetics (formerly Invitae), Labcorp
Classification: Uncertain significance for Growth hormone insensitivity with immune dysregulation 1, autosomal recessive. Last evaluated: 2025-04-29. Review status: criteria provided, single submitter. Criteria: Invitae Variant Classification Sherloc (09022015). Collection method: clinical testing. Allele origin: germline.
Comment: This sequence change replaces isoleucine, which is neutral and non-polar, with valine, which is neutral and non-polar, at codon 112 of the STAT5B protein (p.Ile112Val). This variant is not present in population databases (gnomAD no frequency). This variant has not been reported in the literature in individuals affected with STAT5B-related conditions. Invitae Evidence Modeling of protein sequence and biophysical properties (such as structural, functional, and spatial information, amino acid conservation, physicochemical variation, residue mobility, and thermodynamic stability) indicates that this missense variant is not expected to disrupt STAT5B protein function with a negative predictive value of 80%. In summary, the available evidence is currently insufficient to determine the role of this variant in disease. Therefore, it has been classified as a Variant of Uncertain Significance.

NM_012448.4(STAT5B):c.334A>G (p.Ile112Val)

Gene: STAT5B (signal transducer and activator of transcription 5B; minus strand). Cytogenetic location: 17q21.2.
Variant type: single nucleotide variant.
Coding change: c.334A>G on transcript NM_012448.4 (MANE Select); coding-DNA position 334, A replaced by G.
Protein change: p.Ile112Val; replaces isoleucine 112 with valine.
Molecular consequence: missense variant.
Genome position (GRCh38, 1-based): chr17:42,224,820, T>C on the plus strand (A>G on the coding strand, the complement: STAT5B is on the minus strand). VCF-style: chr17-42224820-T-C. GRCh37 (hg19) VCF-style: chr17-40376838-T-C.
Other names: short protein forms I112V.
Identifiers: ClinVar variation 4773404 (VCV004773404.1).
Genomic context (GRCh38, chr17:42,224,820, plus strand): 5'-ATCCCTATGGGACACTCACATTGTTGGCTTCTCGGACCAACCTCTGTTCATTGTACAATA[T>C]ATGGCGGATGCAGCGGACCAGCTCCATGGGGCAGCGGTCATACGTGTTCTGAAAGAATCC-3'
Protein context (NP_036580.2, residues 102-122): PMELVRCIRH[Ile112Val]LYNEQRLVRE